The following is an entry in ClinVar:

NM_002485.5(NBN):c.1247T>C (p.Met416Thr)

Gene: NBN (nibrin; minus strand). Cytogenetic location: 8q21.3.
Variant type: single nucleotide variant.
Coding change: c.1247T>C on transcript NM_002485.5 (MANE Select); coding-DNA position 1247, T replaced by C.
Protein change: p.Met416Thr; replaces methionine 416 with threonine.
Molecular consequence: missense variant.
Genome position (GRCh38, 1-based): chr8:89,955,433, A>G on the plus strand (T>C on the coding strand, the complement: NBN is on the minus strand). VCF-style: chr8-89955433-A-G. GRCh37 (hg19) VCF-style: chr8-90967661-A-G.
Other names: c.1001T>C, p.Met334Thr (NM_001024688.3); short protein forms M416T, M334T.
Identifiers: ClinVar variation 216563 (VCV000216563.23), dbSNP rs863224713, ClinGen allele CA337757.

ClinVar aggregate classification (germline): Uncertain significance. Review status: criteria provided, multiple submitters, no conflicts (2 of 4 stars). 7 submissions from 7 submitters: Uncertain significance (6). 1 of the submissions does not count toward it. Last evaluated 2025-11-15.

Conditions:
Acute lymphoid leukemia (ALL). Also called: Acute lymphoblastic leukemia; Acute lymphocytic leukemia; Leukemia, acute lymphoblastic, somatic; Lymphoblastic leukemia. Identifiers: Orphanet 513, MedGen C0023449, MONDO:0004967, OMIM 613065, HP:0006721.
Microcephaly, normal intelligence and immunodeficiency (NBS). Also called: Nijmegen breakage syndrome; Microcephaly with normal intelligence immunodeficiency and lymphoreticular malignancies; Nonsyndromal microcephaly autosomal recessive with normal intelligence; Seemanova syndrome 2; BERLIN BREAKAGE SYNDROME; IMMUNODEFICIENCY, MICROCEPHALY, AND CHROMOSOMAL INSTABILITY. Identifiers: Orphanet 647, MedGen C0398791, MONDO:0009623, OMIM 251260.
Aplastic anemia. Identifiers: Orphanet 182040, Orphanet 88, MedGen C0002874, MONDO:0015909, OMIM 609135, HP:0001915.
Hereditary cancer-predisposing syndrome. Also called: Tumor predisposition; Hereditary Cancer Syndrome; Neoplastic Syndromes, Hereditary; Hereditary neoplastic syndrome. Identifiers: Orphanet 140162, MedGen C0027672, MeSH D009386, MONDO:0015356.

Allele frequency attached by ClinVar (database versions not stated): gnomAD 0.00001; TOPMed 0.00004.
gnomAD v4.1: 3 of 1,613,768 alleles (0.00019%); highest among the groups gnomAD compares: Admixed American, 0.0017%; no homozygotes.

Submissions (7):

Ambry Genetics
Classification: Uncertain significance for Hereditary cancer-predisposing syndrome. Last evaluated: 2025-11-15. Review status: criteria provided, single submitter. Criteria: Ambry Variant Classification Scheme 2023. Collection method: clinical testing. Allele origin: germline.
Comment: The p.M416T variant (also known as c.1247T>C), located in coding exon 10 of the NBN gene, results from a T to C substitution at nucleotide position 1247. The methionine at codon 416 is replaced by threonine, an amino acid with similar properties. This amino acid position is poorly conserved in available vertebrate species. In addition, this alteration is predicted to be tolerated by in silico analysis. Since supporting evidence is limited at this time, the clinical significance of this alteration remains unclear.

Labcorp Genetics (formerly Invitae), Labcorp
Classification: Uncertain significance for Microcephaly, normal intelligence and immunodeficiency. Last evaluated: 2024-04-29. Review status: criteria provided, single submitter. Criteria: Invitae Variant Classification Sherloc (09022015). Collection method: clinical testing. Allele origin: germline.
Comment: This sequence change replaces methionine, which is neutral and non-polar, with threonine, which is neutral and polar, at codon 416 of the NBN protein (p.Met416Thr). This variant is not present in population databases (gnomAD no frequency). This variant has not been reported in the literature in individuals affected with NBN-related conditions. ClinVar contains an entry for this variant (Variation ID: 216563). Algorithms developed to predict the effect of missense changes on protein structure and function output the following: SIFT: "Not Available"; PolyPhen-2: "Benign"; Align-GVGD: "Not Available". The threonine amino acid residue is found in multiple mammalian species, which suggests that this missense change does not adversely affect protein function. In summary, the available evidence is currently insufficient to determine the role of this variant in disease. Therefore, it has been classified as a Variant of Uncertain Significance.

Fulgent Genetics
Classification: Uncertain significance for Microcephaly, normal intelligence and immunodeficiency; Aplastic anemia; Acute lymphoid leukemia. Last evaluated: 2022-05-04. Review status: criteria provided, single submitter. Criteria: ACMG Guidelines, 2015. Collection method: clinical testing. Allele origin: unknown.

Genome-Nilou Lab
Classification: Uncertain significance for Microcephaly, normal intelligence and immunodeficiency. Last evaluated: 2021-11-07. Review status: criteria provided, single submitter. Criteria: ACMG Guidelines, 2015. Collection method: clinical testing. Allele origin: germline. Affected: no.

Women's Health and Genetics/Laboratory Corporation of America, LabCorp
Classification: Uncertain significance. Last evaluated: 2018-11-23. Review status: criteria provided, single submitter. Criteria: LabCorp Variant Classification Summary - May 2015. Collection method: clinical testing. Allele origin: germline.
Comment: Variant summary: NBN c.1247T>C (p.Met416Thr) results in a non-conservative amino acid change in the encoded protein sequence. Four of five in-silico tools predict a benign effect of the variant on protein function. The variant was absent in 246138 control chromosomes (gnomAD). The available data on variant occurrences in the general population are insufficient to allow any conclusion about variant significance. To our knowledge, no occurrence of c.1247T>C in individuals affected with Nijmegen Breakage Syndrome and no experimental evidence demonstrating its impact on protein function have been reported. A ClinVar submission from a clinical diagnostic laboratory (evaluation after 2014) cites the variant as uncertain significance. Based on the evidence outlined above, the variant was classified as uncertain significance.

Quest Diagnostics Nichols Institute San Juan Capistrano
Classification: Uncertain significance. Last evaluated: 2018-01-03. Review status: criteria provided, single submitter. Criteria: Quest Diagnostics criteria. Collection method: clinical testing. Allele origin: germline.

Natera, Inc.
Classification: Uncertain significance for Nijmegen breakage syndrome. Last evaluated: 2020-09-16. Review status: no assertion criteria provided. Collection method: clinical testing. Allele origin: germline. Not counted in ClinVar's aggregate classification.